The following is an entry in ClinVar:

NM_004360.5(CDH1):c.2437G>A (p.Glu813Lys)

Gene: CDH1 (cadherin 1; plus strand). Cytogenetic location: 16q22.1.
Variant type: single nucleotide variant.
Coding change: c.2437G>A on transcript NM_004360.5 (MANE Select); coding-DNA position 2437, G replaced by A.
Protein change: p.Glu813Lys; replaces glutamic acid 813 with lysine.
Molecular consequence: missense variant.
Genome position (GRCh38, 1-based): chr16:68,829,795, G>A. VCF-style: chr16-68829795-G-A. GRCh37 (hg19) VCF-style: chr16-68863698-G-A.
Other names: c.2254G>A, p.Glu752Lys (NM_001317184.2); c.889G>A, p.Glu297Lys (NM_001317185.2); c.472G>A, p.Glu158Lys (NM_001317186.2); short protein forms E158K, E297K, E752K, E813K.
Identifiers: ClinVar variation 3224175 (VCV003224175.1), dbSNP rs2152142483, ClinGen allele CA396471394.
Genomic context (GRCh38, chr16:68,829,795, plus strand): 5'-AGTGTCCCCCGGTATCTTCCCCGCCCTGCCAATCCCGATGAAATTGGAAATTTTATTGAT[G>A]AAGTAAGTAATCCACGTGGAAAGCCAAAGCATGGCTCATCTCTAAGCTCAGGAGGAGTTG-3'
Protein context (NP_004351.1, residues 803-823): NPDEIGNFID[Glu813Lys]NLKAADTDPT

ClinVar aggregate classification (germline): Uncertain significance (1 of 4 stars; one submission).

Conditions:
Hereditary cancer-predisposing syndrome. Also called: Tumor predisposition; Hereditary neoplastic syndrome; Hereditary Cancer Syndrome; Neoplastic Syndromes, Hereditary. Identifiers: Orphanet 140162, MedGen C0027672, MeSH D009386, MONDO:0015356.

Submission:

Ambry Genetics
Classification: Uncertain significance for Hereditary cancer-predisposing syndrome. Last evaluated: 2023-11-08. Review status: criteria provided, single submitter. Criteria: Ambry Variant Classification Scheme 2023. Collection method: clinical testing. Allele origin: germline.
Comment: The p.E813K variant (also known as c.2437G>A), located in coding exon 15 of the CDH1 gene, results from a G to A substitution at nucleotide position 2437. The glutamic acid at codon 813 is replaced by lysine, an amino acid with similar properties. This amino acid position is conserved. In addition, the in silico prediction for this alteration is inconclusive. Since supporting evidence is limited at this time, the clinical significance of this alteration remains unclear.